The following is an entry in ClinVar:

NM_016284.5(CNOT1):c.6849C>T (p.Tyr2283=)

Genes: CNOT1 (CCR4-NOT transcription complex subunit 1; minus strand), SETD6 (SET domain containing 6, protein lysine methyltransferase; plus strand). Cytogenetic location: 16q21.
Variant type: single nucleotide variant.
Coding change: c.6849C>T on transcript NM_016284.5 (MANE Select); coding-DNA position 6849, C replaced by T.
Protein change: p.Tyr2283=; no amino-acid change (tyrosine 2283 retained).
Molecular consequence: synonymous variant. On other transcripts: non-coding transcript variant (1), 3 prime UTR variant (1).
Genome position (GRCh38, 1-based): chr16:58,523,438, G>A on the plus strand (C>T on the coding strand, the complement: CNOT1 is on the minus strand). VCF-style: chr16-58523438-G-A. GRCh37 (hg19) VCF-style: chr16-58557342-G-A.
Other names: c.6834C>T, p.Tyr2278= (NM_001265612.2); c.*4409G>A (NM_001160305.4).
Identifiers: ClinVar variation 1569231 (VCV001569231.11), dbSNP rs11644694, ClinGen allele CA8088594.

ClinVar aggregate classification (germline): Benign. Review status: criteria provided, multiple submitters, no conflicts (2 of 4 stars). 3 submissions from 3 submitters: Benign (2). 1 of the submissions does not count toward it. Last evaluated 2026-01-31.

Conditions:
CNOT1-related disorder. Also called: CNOT1-related condition.

Allele frequency attached by ClinVar (database versions not stated): gnomAD 0.02952 and 0.03027; TOPMed 0.02969; 1000 Genomes Project 0.01338; gnomAD exomes 0.02845 and 0.04078; 1000 Genomes Project 30x 0.01421; ExAC 0.02829; ESP Exome Variant Server 0.03547.
gnomAD v4.1: 63,852 of 1,613,818 alleles (4%); highest among the groups gnomAD compares: Non-Finnish European, 4.8%; 1,456 homozygotes.

Submissions (3):

Labcorp Genetics (formerly Invitae), Labcorp
Classification: Benign. Last evaluated: 2026-01-31. Review status: criteria provided, single submitter. Criteria: Invitae Variant Classification Sherloc (09022015). Collection method: clinical testing. Allele origin: germline.

Breakthrough Genomics
Classification: Benign. Review status: criteria provided, single submitter. Criteria: ACMG Guidelines, 2015. Collection method: not provided. Allele origin: germline. Inheritance: Autosomal dominant inheritance. Affected: yes.

PreventionGenetics, part of Exact Sciences
Classification: Benign for CNOT1-related condition. Last evaluated: 2019-12-11. Review status: no assertion criteria provided. Collection method: clinical testing. Allele origin: germline. Not counted in ClinVar's aggregate classification.
Comment: This variant is classified as benign based on ACMG/AMP sequence variant interpretation guidelines (Richards et al. 2015 PMID: 25741868, with internal and published modifications).